The following is an entry in ClinVar:

ClinVar aggregate classification (germline): Uncertain significance. Review status: criteria provided, multiple submitters, no conflicts (2 of 4 stars). 3 submissions from 3 submitters: Uncertain significance (2). 1 of the submissions does not count toward it. Last evaluated 2025-10-16.

Conditions:
ABCC6-related disorder. Also called: ABCC6-related condition.

Allele frequency attached by ClinVar (database versions not stated): gnomAD 0.00004 and 0.00003; TOPMed 0.00002; ESP Exome Variant Server 0.00008.
gnomAD v4.1: 22 of 1,613,108 alleles (0.0014%); highest among the groups gnomAD compares: African/African-American, 0.008%; no homozygotes.

Submissions (3):

Mayo Clinic Laboratories, Mayo Clinic
Classification: Uncertain significance. Last evaluated: 2025-10-16. Review status: criteria provided, single submitter. Criteria: ACMG Guidelines, 2015. Collection method: clinical testing. Allele origin: germline. Observed: 2 variant alleles.

Genomic Research Center, Shahid Beheshti University of Medical Sciences
Classification: Uncertain significance. Last evaluated: 2018-08-07. Review status: criteria provided, single submitter. Criteria: ACMG Guidelines, 2015. Collection method: clinical testing. Allele origin: inherited. Affected: yes. Observed: 1 variant allele.

PreventionGenetics, part of Exact Sciences
Classification: Uncertain significance for ABCC6-related condition. Last evaluated: 2024-02-21. Review status: no assertion criteria provided. Collection method: clinical testing. Allele origin: germline. Not counted in ClinVar's aggregate classification.
Comment: The ABCC6 c.790C>T variant is predicted to result in the amino acid substitution p.Arg264Trp. To our knowledge, this variant has not been reported in the literature. This variant is reported in 0.012% of alleles in individuals of African descent in gnomAD. At this time, the clinical significance of this variant is uncertain due to the absence of conclusive functional and genetic evidence.

NM_001171.6(ABCC6):c.790C>T (p.Arg264Trp)

Gene: ABCC6 (ATP binding cassette subfamily C member 6; minus strand). Cytogenetic location: 16p13.11.
Variant type: single nucleotide variant.
Coding change: c.790C>T on transcript NM_001171.6 (MANE Select); coding-DNA position 790, C replaced by T.
Protein change: p.Arg264Trp; replaces arginine 264 with tryptophan.
Molecular consequence: missense variant. On other transcripts: non-coding transcript variant (1).
Genome position (GRCh38, 1-based): chr16:16,208,732, G>A on the plus strand (C>T on the coding strand, the complement: ABCC6 is on the minus strand). VCF-style: chr16-16208732-G-A. GRCh37 (hg19) VCF-style: chr16-16302589-G-A.
Other names: p.Arg264Trp; c.448C>T, p.Arg150Trp (NM_001351800.1); short protein forms R264W, R150W.
Identifiers: ClinVar variation 587583 (VCV000587583.7), dbSNP rs376409933, ClinGen allele CA7926565.